The following is an entry in ClinVar:

ClinVar aggregate classification (germline): Uncertain significance. Review status: criteria provided, single submitter (1 of 4 stars). 2 submissions from 2 submitters: Uncertain significance (1). 1 of the submissions does not count toward it. Last evaluated 2021-12-01.

Conditions:
TANC2-related disorder. Also called: TANC2-related condition.

Allele frequency attached by ClinVar (database versions not stated): gnomAD exomes below 0.00001 and 0.00002; TOPMed below 0.00001; ExAC 0.00001; gnomAD 0.00001.
gnomAD v4.1: 30 of 1,576,438 alleles (0.0019%); highest among the groups gnomAD compares: Non-Finnish European, 0.0023%; no homozygotes.

Submissions (2):

CeGaT Center for Human Genetics Tuebingen
Classification: Uncertain significance. Last evaluated: 2021-12-01. Review status: criteria provided, single submitter. Criteria: CeGaT Center For Human Genetics Tuebingen Variant Classification Criteria Version 2. Collection method: clinical testing. Allele origin: germline. Affected: yes. Observed: 1 variant allele.

PreventionGenetics, part of Exact Sciences
Classification: Uncertain significance for TANC2-related condition. Last evaluated: 2023-12-13. Review status: no assertion criteria provided. Collection method: clinical testing. Allele origin: germline. Not counted in ClinVar's aggregate classification.
Comment: The TANC2 c.1776C>G variant is predicted to result in the amino acid substitution p.Phe592Leu. To our knowledge, this variant has not been reported in the literature. This variant is reported in 0.00097% of alleles in individuals of European (Non-Finnish) descent in gnomAD. At this time, the clinical significance of this variant is uncertain due to the absence of conclusive functional and genetic evidence.

NM_001394998.1(TANC2):c.1998C>G (p.Phe666Leu)

Gene: TANC2 (tetratricopeptide repeat, ankyrin repeat and coiled-coil containing 2; plus strand). Cytogenetic location: 17q23.3.
Variant type: single nucleotide variant.
Coding change: c.1998C>G on transcript NM_001394998.1 (MANE Select); coding-DNA position 1998, C replaced by G.
Protein change: p.Phe666Leu; replaces phenylalanine 666 with leucine.
Molecular consequence: missense variant.
Genome position (GRCh38, 1-based): chr17:63,354,806, C>G. VCF-style: chr17-63354806-C-G. GRCh37 (hg19) VCF-style: chr17-61432167-C-G.
Other names: c.1776C>G, p.Phe592Leu (NM_025185.4); c.1776C>G (NM_025185.3); short protein forms F592L, F666L.
Identifiers: ClinVar variation 1335291 (VCV001335291.36), dbSNP rs764173544, ClinGen allele CA8697724.